The following is an entry in ClinVar:

ClinVar aggregate classification (germline): Pathogenic (1 of 4 stars; one submission).

Conditions:
Short stature-brachydactyly-obesity-global developmental delay syndrome. Also called: Short stature, brachydactyly, intellectual developmental disability, and seizures; SHORT STATURE, BRACHYDACTYLY, IMPAIRED INTELLECTUAL DEVELOPMENT, AND SEIZURES. Identifiers: Orphanet 464288, MedGen C4310689, MONDO:0014944, OMIM 617157.

Submission:

Genetics and Prenatal Diagnosis Center, The First Affiliated Hospital of Zhengzhou University
Classification: Pathogenic for Short stature-brachydactyly-obesity-global developmental delay syndrome. Last evaluated: 2021-05-13. Review status: criteria provided, single submitter. Criteria: ACMG Guidelines, 2015. Collection method: clinical testing. Allele origin: germline. Affected: yes.

NM_019023.5(PRMT7):c.622del (p.Gln208fs)

Gene: PRMT7 (protein arginine methyltransferase 7; plus strand). Cytogenetic location: 16q22.1.
Variant type: Deletion.
Coding change: c.622del on transcript NM_019023.5 (MANE Select); coding-DNA position 622, one base deleted (C; older notation c.622delC).
Protein change: p.Gln208fs; shifts the reading frame from glutamine 208.
Molecular consequence: frameshift variant. On other transcripts: non-coding transcript variant (12).
Genome position (GRCh38, 1-based): chr16:68,339,439, C deleted. VCF-style (leftmost placement, unchanged base first): chr16-68339438-GC-G. GRCh37 (hg19) VCF-style: chr16-68373341-GC-G.
Other names: c.472del, p.Gln158fs (NM_001184824.4); c.622del, p.Gln208fs (NM_001290018.2, NM_001351143.3, NM_001351144.3 and 1 more transcripts); c.415del, p.Gln139fs (NM_001378020.1); c.385del, p.Gln129fs (NM_001378021.1, NM_001378022.1, NM_001378023.1); short protein forms Q129fs, Q139fs, Q158fs, Q208fs.
Identifiers: ClinVar variation 1098280 (VCV001098280.1), dbSNP rs2151732301, ClinGen allele CA2499223637.